The following is an entry in ClinVar:

NM_005032.7(PLS3):c.950G>A (p.Gly317Asp)

Gene: PLS3 (plastin 3; plus strand). Cytogenetic location: Xq23.
Variant type: single nucleotide variant.
Coding change: c.950G>A on transcript NM_005032.7 (MANE Select); coding-DNA position 950, G replaced by A.
Protein change: p.Gly317Asp; replaces glycine 317 with aspartic acid.
Molecular consequence: missense variant.
Genome position (GRCh38, 1-based): chrX:115,640,466, G>A. VCF-style: chrX-115640466-G-A. GRCh37 (hg19) VCF-style: chrX-114874778-G-A.
Other names: c.950G>A, p.Gly317Asp (NM_001136025.5); c.869G>A, p.Gly290Asp (NM_001172335.3); c.911G>A, p.Gly304Asp (NM_001282337.2); c.815G>A, p.Gly272Asp (NM_001282338.2); short protein forms G272D, G290D, G304D, G317D.
Identifiers: ClinVar variation 3611345 (VCV003611345.2).

ClinVar aggregate classification (germline): Uncertain significance (1 of 4 stars; one submission).

gnomAD v4.1: 2 of 1,183,452 alleles (0.00017%); highest among the groups gnomAD compares: Admixed American, 0.0044%; no homozygotes.

Submission:

Labcorp Genetics (formerly Invitae), Labcorp
Classification: Uncertain significance. Last evaluated: 2024-11-27. Review status: criteria provided, single submitter. Criteria: Invitae Variant Classification Sherloc (09022015). Collection method: clinical testing. Allele origin: germline.
Comment: This sequence change replaces glycine, which is neutral and non-polar, with aspartic acid, which is acidic and polar, at codon 317 of the PLS3 protein (p.Gly317Asp). The frequency data for this variant in the population databases is considered unreliable, as metrics indicate poor data quality at this position in the gnomAD database. This variant has not been reported in the literature in individuals affected with PLS3-related conditions. An algorithm developed to predict the effect of missense changes on protein structure and function (PolyPhen-2) suggests that this variant is likely to be tolerated. In summary, the available evidence is currently insufficient to determine the role of this variant in disease. Therefore, it has been classified as a Variant of Uncertain Significance.